The following is an entry in ClinVar:

NM_000448.3(RAG1):c.276C>A (p.His92Gln)

Gene: RAG1 (recombination activating 1; plus strand). Cytogenetic location: 11p12.
Variant type: single nucleotide variant.
Coding change: c.276C>A on transcript NM_000448.3 (MANE Select); coding-DNA position 276, C replaced by A.
Protein change: p.His92Gln; replaces histidine 92 with glutamine.
Molecular consequence: missense variant.
Genome position (GRCh38, 1-based): chr11:36,573,580, C>A. VCF-style: chr11-36573580-C-A. GRCh37 (hg19) VCF-style: chr11-36595130-C-A.
Other names: c.276C>A, p.His92Gln (NM_001377277.1, NM_001377278.1, NM_001377279.1 and 1 more transcripts); short protein forms H92Q.
Identifiers: ClinVar variation 966042 (VCV000966042.8), dbSNP rs550985019, ClinGen allele CA5949941.

ClinVar aggregate classification (germline): Uncertain significance. Review status: criteria provided, multiple submitters, no conflicts (2 of 4 stars). 3 submissions from 3 submitters: Uncertain significance (3). Last evaluated 2023-09-01.

Conditions:
Combined immunodeficiency with skin granulomas. Identifiers: Orphanet 157949, MedGen C2673536, MONDO:0009306, OMIM 233650.
Severe combined immunodeficiency, autosomal recessive, T cell-negative, B cell-negative, NK cell-positive. Also called: Severe combined immunodeficiency due to complete RAG1/2 deficiency; SCID, T CELL-NEGATIVE, B CELL-NEGATIVE, NK CELL-POSITIVE; SCID, AR, T-cell negative, B-cell negative, NK cell-positive. Identifiers: Orphanet 331206, MedGen C1832322, MONDO:0011086, OMIM 601457.

Allele frequency attached by ClinVar (database versions not stated): TOPMed 0.00001.
gnomAD v4.1: 8 of 1,614,058 alleles (0.0005%); highest among the groups gnomAD compares: African/African-American, 0.0027%; no homozygotes.

Submissions (3):

Women's Health and Genetics/Laboratory Corporation of America, LabCorp
Classification: Uncertain significance. Last evaluated: 2023-09-01. Review status: criteria provided, single submitter. Criteria: LabCorp Variant Classification Summary - May 2015. Collection method: clinical testing. Allele origin: germline.

Labcorp Genetics (formerly Invitae), Labcorp
Classification: Uncertain significance for Combined immunodeficiency with skin granulomas; Severe combined immunodeficiency, autosomal recessive, T cell-negative, B cell-negative, NK cell-positive. Last evaluated: 2021-08-20. Review status: criteria provided, single submitter. Criteria: Invitae Variant Classification Sherloc (09022015). Collection method: clinical testing. Allele origin: germline.
Comment: This sequence change replaces histidine with glutamine at codon 92 of the RAG1 protein (p.His92Gln). The histidine residue is moderately conserved and there is a small physicochemical difference between histidine and glutamine. This variant is present in population databases (rs550985019, ExAC 0.002%). This variant has not been reported in the literature in individuals affected with RAG1-related conditions. Algorithms developed to predict the effect of missense changes on protein structure and function (SIFT, PolyPhen-2, Align-GVGD) all suggest that this variant is likely to be tolerated. In summary, the available evidence is currently insufficient to determine the role of this variant in disease. Therefore, it has been classified as a Variant of Uncertain Significance.

Blueprint Genetics
Classification: Uncertain significance. Last evaluated: 2019-09-05. Review status: criteria provided, single submitter. Criteria: ACMG Guidelines, 2015. Collection method: clinical testing. Allele origin: germline.